The following is an entry in ClinVar:

ClinVar aggregate classification (germline): Pathogenic (1 of 4 stars; one submission).

Conditions:
Optic neuropathy. Also called: Optic nerve disorder. Identifiers: MedGen C3887709, MONDO:0002135, HP:0001138.

Submission:

Genetics Laboratory, Great Ormond Street Hospital NHS Foundation Trust, North Thames Genomic Laboratory Hub
Classification: Pathogenic for Optic neuropathy. Last evaluated: 2025-10-28. Review status: criteria provided, single submitter. Criteria: ACGS Best Practice Guidelines for Variant Classification in Rare Disease 2024 v1.2. Collection method: clinical testing. Allele origin: germline. Affected: yes.
Comment: PM2_moderate, PVS1_very-strong

NM_130837.3(OPA1):c.1656_1658delinsAAAGCTTTCCCAATGAAAGCTCTTCCCAATGAACAGC (p.Tyr553delinsLysLeuSerGlnTer)

Gene: OPA1 (OPA1 mitochondrial dynamin like GTPase; plus strand). Cytogenetic location: 3q29.
Variant type: Indel.
Coding change: c.1656_1658delinsAAAGCTTTCCCAATGAAAGCTCTTCCCAATGAACAGC on transcript NM_130837.3 (MANE Select); coding-DNA positions 1656 to 1658, the reference bases replaced by an inserted sequence.
Protein change: p.Tyr553delinsLysLeuSerGlnTer.
Molecular consequence: nonsense.
Genome position (GRCh38, 1-based): chr3:193,645,600-193,645,602, 3 bases replaced. GRCh37 (hg19): chr3:193,363,389-193,363,391.
Other names: c.1383_1385delinsAAAGCTTTCCCAATGAAAGCTCTTCCCAATGAACAGC, p.Tyr462delinsLysLeuSerGlnTer (NM_130831.3); c.1437_1439delinsAAAGCTTTCCCAATGAAAGCTCTTCCCAATGAACAGC, p.Tyr480delinsLysLeuSerGlnTer (NM_130832.3); c.1494_1496delinsAAAGCTTTCCCAATGAAAGCTCTTCCCAATGAACAGC, p.Tyr499delinsLysLeuSerGlnTer (NM_130833.3); c.1545_1547delinsAAAGCTTTCCCAATGAAAGCTCTTCCCAATGAACAGC, p.Tyr516delinsLysLeuSerGlnTer (NM_130834.3); c.1548_1550delinsAAAGCTTTCCCAATGAAAGCTCTTCCCAATGAACAGC, p.Tyr517delinsLysLeuSerGlnTer (NM_130835.3); c.1602_1604delinsAAAGCTTTCCCAATGAAAGCTCTTCCCAATGAACAGC, p.Tyr535delinsLysLeuSerGlnTer (NM_130836.3); c.1122_1124delinsAAAGCTTTCCCAATGAAAGCTCTTCCCAATGAACAGC, p.Tyr375delinsLysLeuSerGlnTer (NM_001354663.2); c.1119_1121delinsAAAGCTTTCCCAATGAAAGCTCTTCCCAATGAACAGC, p.Tyr374delinsLysLeuSerGlnTer (NM_001354664.2); and 1 more.
Identifiers: ClinVar variation 4539016 (VCV004539016.1).
Genomic context (GRCh38, chr3:193,645,600, plus strand): 5'-CTTTTAAAAATAGATTCAGCAGATAATTGAAGGAAAGCTCTTCCCAATGAAAGCTTTAGG[TTA>AAAGCTTTCCCAATGAAAGCTCTTCCCAATGAACAGC]TTTTGCTGTTGTAACAGGAAAAGGTATGCAAAGATGGATTATAATAACTTATTTTTAGTT-3'